The following is an entry in ClinVar:

NM_020693.4(DSCAML1):c.1309C>G (p.Pro437Ala)

Gene: DSCAML1 (DS cell adhesion molecule like 1; minus strand). Cytogenetic location: 11q23.3.
Variant type: single nucleotide variant.
Coding change: c.1309C>G on transcript NM_020693.4 (MANE Select); coding-DNA position 1309, C replaced by G.
Protein change: p.Pro437Ala; replaces proline 437 with alanine.
Molecular consequence: missense variant.
Genome position (GRCh38, 1-based): chr11:117,518,667, G>C on the plus strand (C>G on the coding strand, the complement: DSCAML1 is on the minus strand). VCF-style: chr11-117518667-G-C. GRCh37 (hg19) VCF-style: chr11-117389382-G-C.
Other names: c.1309C>G, p.Pro437Ala (NM_001367904.1); c.901C>G, p.Pro301Ala (NM_001367905.1); short protein forms P301A, P437A.
Identifiers: ClinVar variation 1426311 (VCV001426311.6), dbSNP rs1460426419, ClinGen allele CA382745963.

ClinVar aggregate classification (germline): Uncertain significance (1 of 4 stars; one submission).

Submission:

Labcorp Genetics (formerly Invitae), Labcorp
Classification: Uncertain significance. Last evaluated: 2022-06-05. Review status: criteria provided, single submitter. Criteria: Invitae Variant Classification Sherloc (09022015). Collection method: clinical testing. Allele origin: germline.
Comment: ClinVar contains an entry for this variant (Variation ID: 1426311). This sequence change replaces proline, which is neutral and non-polar, with alanine, which is neutral and non-polar, at codon 497 of the DSCAML1 protein (p.Pro497Ala). This variant is not present in population databases (gnomAD no frequency). This variant has not been reported in the literature in individuals affected with DSCAML1-related conditions. Algorithms developed to predict the effect of missense changes on protein structure and function are either unavailable or do not agree on the potential impact of this missense change (SIFT: "Deleterious"; PolyPhen-2: "Probably Damaging"; Align-GVGD: "Class C0"). In summary, the available evidence is currently insufficient to determine the role of this variant in disease. Therefore, it has been classified as a Variant of Uncertain Significance.